The following is an entry in ClinVar:

ClinVar aggregate classification (germline): Conflicting classifications of pathogenicity. Review status: criteria provided, conflicting classifications (1 of 4 stars). 2 submissions from 2 submitters: Uncertain significance (1); Likely benign (1). Last evaluated 2024-01-08.

Allele frequency attached by ClinVar (database versions not stated): gnomAD 0.00001 and 0.00002; TOPMed 0.00002; gnomAD exomes 0.00004 and 0.00007; ExAC 0.00007.
gnomAD v4.1: 96 of 1,614,070 alleles (0.0059%); highest among the groups gnomAD compares: Middle Eastern, 0.016%; 1 homozygote.

Submissions (2):

Blueprint Genetics
Classification: Likely benign. Last evaluated: 2024-01-08. Review status: criteria provided, single submitter. Criteria: ACMG Guidelines, 2015. Collection method: clinical testing. Allele origin: germline.

Center for Pediatric Genomic Medicine, Children's Mercy Hospital and Clinics
Classification: Uncertain significance. Last evaluated: 2016-08-30. Review status: criteria provided, single submitter. Criteria: ACMG Guidelines, 2015. Collection method: clinical testing. Allele origin: germline.
ClinVar note: Converted during submission from Uncertain Significance to Uncertain significance.

NM_020754.4(ARHGAP31):c.1286C>T (p.Pro429Leu)

Gene: ARHGAP31 (Rho GTPase activating protein 31; plus strand). Cytogenetic location: 3q13.33.
Variant type: single nucleotide variant.
Coding change: c.1286C>T on transcript NM_020754.4 (MANE Select); coding-DNA position 1286, C replaced by T.
Protein change: p.Pro429Leu; replaces proline 429 with leucine.
Molecular consequence: missense variant.
Genome position (GRCh38, 1-based): chr3:119,402,038, C>T. VCF-style: chr3-119402038-C-T. GRCh37 (hg19) VCF-style: chr3-119120885-C-T.
Other names: short protein forms P429L.
Identifiers: ClinVar variation 376825 (VCV000376825.4), dbSNP rs776509429, ClinGen allele CA2553796.